The following is an entry in ClinVar:

ClinVar aggregate classification (germline): Uncertain significance (1 of 4 stars; one submission).

Conditions:
Hyper-IgE recurrent infection syndrome 1, autosomal dominant. Also called: JOB SYNDROME; Job's Syndrome; STAT3 Hyper IgE Syndrome; Hyper-IgE recurrent infection syndrome 1; HYPER-IgE SYNDROME 1, AUTOSOMAL DOMINANT, WITH RECURRENT INFECTIONS. Identifiers: Orphanet 2314, MedGen C2936739, MONDO:0007818, OMIM 147060.
STAT3 gain of function. Identifiers: MedGen C4288261.

Allele frequency attached by ClinVar (database versions not stated): TOPMed below 0.00001; gnomAD 0.00001.
gnomAD v4.1: 2 of 1,599,788 alleles (0.00013%); highest among the groups gnomAD compares: Non-Finnish European, 0.000085%; no homozygotes.

Submission:

Labcorp Genetics (formerly Invitae), Labcorp
Classification: Uncertain significance for STAT3 gain of function; Hyper-IgE recurrent infection syndrome 1, autosomal dominant. Last evaluated: 2024-01-04. Review status: criteria provided, single submitter. Criteria: Invitae Variant Classification Sherloc (09022015). Collection method: clinical testing. Allele origin: germline.
Comment: This sequence change falls in intron 4 of the STAT3 gene. It does not directly change the encoded amino acid sequence of the STAT3 protein. It affects a nucleotide within the consensus splice site. This variant is present in population databases (no rsID available, gnomAD no frequency). This variant has not been reported in the literature in individuals affected with STAT3-related conditions. Variants that disrupt the consensus splice site are a relatively common cause of aberrant splicing (PMID: 17576681, 9536098). Algorithms developed to predict the effect of sequence changes on RNA splicing suggest that this variant is not likely to affect RNA splicing. In summary, the available evidence is currently insufficient to determine the role of this variant in disease. Therefore, it has been classified as a Variant of Uncertain Significance.

Literature cited by the submitters: PubMed 17576681; PubMed 9536098.

NM_139276.3(STAT3):c.372+3G>A

Gene: STAT3 (signal transducer and activator of transcription 3; minus strand). Cytogenetic location: 17q21.2.
Variant type: single nucleotide variant.
Coding change: c.372+3G>A on transcript NM_139276.3 (MANE Select); 3 bases into the intron after coding-DNA position 372, G replaced by A.
Molecular consequence: intron variant.
Genome position (GRCh38, 1-based): chr17:42,345,556, C>T on the plus strand (G>A on the coding strand, the complement: STAT3 is on the minus strand). VCF-style: chr17-42345556-C-T. GRCh37 (hg19) VCF-style: chr17-40497574-C-T.
Other names: c.372+3G>A (NM_001384989.1, NM_001384992.1, NM_001384984.1 and 16 more transcripts); c.294+3G>A (NM_001384985.1).
Identifiers: ClinVar variation 2937520 (VCV002937520.3), dbSNP rs1391959003, ClinGen allele CA626050710.